The following is an entry in ClinVar:

ClinVar aggregate classification (germline): Pathogenic/Likely pathogenic. Review status: criteria provided, multiple submitters, no conflicts (2 of 4 stars). 5 submissions from 5 submitters: Pathogenic (2); Likely pathogenic (2). 1 of the submissions does not count toward it. Last evaluated 2025-06-25.

Conditions:
ACTA1-related disorder. Also called: ACTA1-related condition.
Progressive scapulohumeroperoneal distal myopathy. Also called: Myopathy, scapulohumeroperoneal. Identifiers: Orphanet 447977, MedGen C4225181, MONDO:0014800, OMIM 616852.
Actin accumulation myopathy (CMYO2A). Also called: Nemaline myopathy type 3; Myopathy, actin, congenital, with excess of thin myofilaments; Myopathy, actin, congenital, with cores; Nemaline myopathy 3, with intranuclear rods; CONGENITAL MYOPATHY 2A, TYPICAL, AUTOSOMAL DOMINANT. Identifiers: Orphanet 98904, MedGen C3711389, MONDO:0008070, OMIM 161800.
Congenital myopathy with fiber type disproportion. Also called: Congenital fiber-type disproportion; Congenital fiber-type disproportion myopathy. Identifiers: Orphanet 2020, MedGen C0546264, MONDO:0009711. Inheritance: all.

Submissions (5):

3billion
Classification: Likely pathogenic for ACTA1-related disorder. Last evaluated: 2025-06-25. Review status: criteria provided, single submitter. Criteria: ACMG Guidelines, 2015. Collection method: clinical testing. Allele origin: germline. Affected: yes.
Comment: The variant is not observed in the gnomAD v4.1.0 dataset. Predicted Consequence/Location: Missense variant. Missense changes are a common disease-causing mechanism. In silico tool predictions suggest damaging effect of the variant on gene or gene product [REVEL: 0.76 (>=0.6, sensitivity 0.68 and specificity 0.92)]. The same nucleotide change resulting in the same amino acid change has been previously reported as pathogenic/likely pathogenic with strong evidence (ClinVar ID: VCV000042107 /PMID: 19562689 /3billion dataset). Therefore, this variant is classified as Likely pathogenic according to the recommendation of ACMG/AMP guideline.

Blueprint Genetics
Classification: Pathogenic for ACTA1-related disorders. Last evaluated: 2024-05-03. Review status: criteria provided, single submitter. Criteria: ACMG Guidelines, 2015. Collection method: clinical testing. Allele origin: germline. Affected: yes. Observed: 1 variant allele.

Labcorp Genetics (formerly Invitae), Labcorp
Classification: Pathogenic for Actin accumulation myopathy. Last evaluated: 2023-10-13. Review status: criteria provided, single submitter. Criteria: Invitae Variant Classification Sherloc (09022015). Collection method: clinical testing. Allele origin: germline.
Comment: This sequence change replaces glutamic acid, which is acidic and polar, with lysine, which is basic and polar, at codon 6 of the ACTA1 protein (p.Glu6Lys). This variant is not present in population databases (gnomAD no frequency). This missense change has been observed in individual(s) with congenital fiber type disproportion, congenital myopathy, and/or nemaline myopathy (PMID: 19562689, 24642510, 26172852). In at least one individual the variant was observed to be de novo. ClinVar contains an entry for this variant (Variation ID: 42107). Advanced modeling of protein sequence and biophysical properties (such as structural, functional, and spatial information, amino acid conservation, physicochemical variation, residue mobility, and thermodynamic stability) performed at Invitae indicates that this missense variant is expected to disrupt ACTA1 protein function. For these reasons, this variant has been classified as Pathogenic.

Centre for Mendelian Genomics, University Medical Centre Ljubljana
Classification: Likely pathogenic for Progressive scapulohumeroperoneal distal myopathy. Last evaluated: 2019-08-01. Review status: criteria provided, single submitter. Criteria: ACMG Guidelines, 2015. Collection method: clinical testing. Allele origin: unknown. Affected: yes.
Comment: This variant was classified as: Likely pathogenic. The following ACMG criteria were applied in classifying this variant: PM2,PP2,PP3,PP4,PP5.

GeneReviews
No classification provided. Condition: Congenital myopathy with fiber type disproportion. Review status: no classification provided. Collection method: literature only. Allele origin: unknown. Not counted in ClinVar's aggregate classification.

Literature cited by the submitters: PubMed 19562689 (cited by 3billion and Labcorp Genetics (formerly Invitae), Labcorp); PubMed 24642510 (cited by Labcorp Genetics (formerly Invitae), Labcorp); PubMed 26172852 (cited by Labcorp Genetics (formerly Invitae), Labcorp); PubMed 15468086 (cited by GeneReviews); PubMed 20301436 (cited by GeneReviews); NCBI Bookshelf NBK1259 (cited by GeneReviews).

NM_001100.4(ACTA1):c.16G>A (p.Glu6Lys)

Gene: ACTA1 (actin alpha 1, skeletal muscle; minus strand). Cytogenetic location: 1q42.13.
Variant type: single nucleotide variant.
Coding change: c.16G>A on transcript NM_001100.4 (MANE Select); coding-DNA position 16, G replaced by A.
Protein change: p.Glu6Lys; replaces glutamic acid 6 with lysine.
Molecular consequence: missense variant.
Genome position (GRCh38, 1-based): chr1:229,433,100, C>T on the plus strand (G>A on the coding strand, the complement: ACTA1 is on the minus strand). VCF-style: chr1-229433100-C-T. GRCh37 (hg19) VCF-style: chr1-229568847-C-T.
Other names: short protein forms E6K.
Identifiers: ClinVar variation 42107 (VCV000042107.18), dbSNP rs367543048, ClinGen allele CA344557.
Genomic context (GRCh38, chr1:229,433,100, plus strand): 5'-CCCCGGCGAAGCCGGCTTTCACCAGGCCGGAGCCATTGTCGCACACGAGGGCGGTGGTCT[C>T]GTCTTCGTCGCACATTGTGTCTAGTTTCTGCAAGGACAGGGAGACCGCGAAGAGGCGCGG-3'
Protein context (NP_001091.1, residues 1-16): MCDED[Glu6Lys]TTALVCDNGS